The following is an entry in ClinVar:

NM_001134407.3(GRIN2A):c.1334C>A (p.Ser445Ter)

Gene: GRIN2A (glutamate ionotropic receptor NMDA type subunit 2A; minus strand). Cytogenetic location: 16p13.2.
Variant type: single nucleotide variant.
Coding change: c.1334C>A on transcript NM_001134407.3 (MANE Select); coding-DNA position 1334, C replaced by A.
Protein change: p.Ser445Ter; replaces serine 445 with a stop codon.
Molecular consequence: nonsense.
Genome position (GRCh38, 1-based): chr16:9,841,099, G>T on the plus strand (C>A on the coding strand, the complement: GRIN2A is on the minus strand). VCF-style: chr16-9841099-G-T. GRCh37 (hg19) VCF-style: chr16-9934956-G-T.
Other names: c.1334C>A, p.Ser445Ter (NM_000833.5, NM_001134408.2); short protein forms S445*.
Identifiers: ClinVar variation 640659 (VCV000640659.7), dbSNP rs2141346170, ClinGen allele CA394800888.

ClinVar aggregate classification (germline): Pathogenic. Review status: criteria provided, multiple submitters, no conflicts (2 of 4 stars). 2 submissions from 2 submitters: Pathogenic (2). Last evaluated 2018-07-16.

Conditions:
Landau-Kleffner syndrome (FESD). Also called: EPILEPSY, FOCAL, WITH SPEECH DISORDER AND WITH OR WITHOUT MENTAL RETARDATION; APHASIA, ACQUIRED, WITH EPILEPSY. Identifiers: Orphanet 1945, Orphanet 725, Orphanet 98818, MedGen C0282512, MONDO:0009509, OMIM 245570.

Submissions (2):

Labcorp Genetics (formerly Invitae), Labcorp
Classification: Pathogenic for Landau-Kleffner syndrome. Last evaluated: 2018-07-16. Review status: criteria provided, single submitter. Criteria: Invitae Variant Classification Sherloc (09022015). Collection method: clinical testing. Allele origin: germline.
Comment: Loss-of-function variants in GRIN2A are known to be pathogenic (PMID: 23933819, 23933820). This variant has not been reported in the literature in individuals with GRIN2A-related disease. This variant is not present in population databases (ExAC no frequency). This sequence change creates a premature translational stop signal (p.Ser445*) in the GRIN2A gene. It is expected to result in an absent or disrupted protein product. For these reasons, this variant has been classified as Pathogenic.

Cytogénomique, Hospices Civils de Lyon
Classification: Pathogenic for Landau-Kleffner syndrome. Last evaluated: 2018-02-14. Review status: criteria provided, single submitter. Criteria: ACMG Guidelines, 2015. Collection method: clinical testing. Allele origin: unknown. Inheritance: Autosomal dominant inheritance. Affected: yes.

Literature cited by the submitters: PubMed 23933819 (cited by Labcorp Genetics (formerly Invitae), Labcorp); PubMed 23933820 (cited by Labcorp Genetics (formerly Invitae), Labcorp).